The following is an entry in ClinVar:

ClinVar aggregate classification (germline): Pathogenic (1 of 4 stars; one submission).

Allele frequency attached by ClinVar (database versions not stated): gnomAD exomes below 0.00001; gnomAD 0.00001; TOPMed 0.00002.
gnomAD v4.1: 4 of 1,572,624 alleles (0.00025%); highest among the groups gnomAD compares: African/African-American, 0.0013%; no homozygotes.

Submission:

Labcorp Genetics (formerly Invitae), Labcorp
Classification: Pathogenic. Last evaluated: 2022-06-23. Review status: criteria provided, single submitter. Criteria: Invitae Variant Classification Sherloc (09022015). Collection method: clinical testing. Allele origin: germline.
Comment: For these reasons, this variant has been classified as Pathogenic. This variant has not been reported in the literature in individuals affected with PIK3C2A-related conditions. This variant is not present in population databases (gnomAD no frequency). This sequence change creates a premature translational stop signal (p.Arg519*) in the PIK3C2A gene. It is expected to result in an absent or disrupted protein product. Loss-of-function variants in PIK3C2A are known to be pathogenic (PMID: 31034465).

Literature cited by the submitters: PubMed 31034465.

NM_002645.4(PIK3C2A):c.1555C>T (p.Arg519Ter)

Gene: PIK3C2A (phosphatidylinositol-4-phosphate 3-kinase catalytic subunit type 2 alpha; minus strand). Cytogenetic location: 11p15.1.
Variant type: single nucleotide variant.
Coding change: c.1555C>T on transcript NM_002645.4 (MANE Select); coding-DNA position 1555, C replaced by T.
Protein change: p.Arg519Ter; replaces arginine 519 with a stop codon.
Molecular consequence: nonsense.
Genome position (GRCh38, 1-based): chr11:17,147,522, G>A on the plus strand (C>T on the coding strand, the complement: PIK3C2A is on the minus strand). VCF-style: chr11-17147522-G-A. GRCh37 (hg19) VCF-style: chr11-17169069-G-A.
Other names: c.1555C>T, p.Arg519Ter (NM_001321378.2, NM_001386870.1); c.415C>T, p.Arg139Ter (NM_001321380.2); short protein forms R139*, R519*.
Identifiers: ClinVar variation 1930899 (VCV001930899.3), dbSNP rs917390877, ClinGen allele CA218409173.